The following is an entry in ClinVar:

NM_014727.3(KMT2B):c.7501dup (p.Glu2501fs)

Gene: KMT2B (lysine methyltransferase 2B; plus strand). Cytogenetic location: 19q13.12.
Variant type: Duplication.
Coding change: c.7501dup on transcript NM_014727.3 (MANE Select); coding-DNA position 7501, one base duplicated (G; older notation c.7501dupG).
Protein change: p.Glu2501fs; shifts the reading frame from glutamic acid 2501.
Molecular consequence: frameshift variant.
Genome position (GRCh38, 1-based): chr19:35,737,214, G duplicated; the last of 2 consecutive G bases (chr19:35,737,213-35,737,214); duplicating either gives the same sequence. VCF-style (leftmost placement, unchanged base first): chr19-35737212-A-AG. GRCh37 (hg19) VCF-style: chr19-36228113-A-AG.
Other names: short protein forms E2501fs.
Identifiers: ClinVar variation 1975543 (VCV001975543.5), dbSNP rs2513366517, ClinGen allele CA2580096861.
Genomic context (GRCh38, chr19:35,737,212, plus strand): 5'-CCGGAGCCCAGCGTTGCCAGCACTATAAGTTCCGTTACCACCAGCAGGGAGAGGGCCAGG[A>AG]GGAGCCGCCCCTGAATCCCCATGGGGCTGCTCGGGCAGAGGTCTATCTCCGGTGAGAGGT-3'

ClinVar aggregate classification (germline): Pathogenic (1 of 4 stars; one submission).

Submission:

Labcorp Genetics (formerly Invitae), Labcorp
Classification: Pathogenic. Last evaluated: 2022-03-29. Review status: criteria provided, single submitter. Criteria: Invitae Variant Classification Sherloc (09022015). Collection method: clinical testing. Allele origin: germline.
Comment: This variant has not been reported in the literature in individuals affected with KMT2B-related conditions. For these reasons, this variant has been classified as Pathogenic. This variant is not present in population databases (gnomAD no frequency). This sequence change creates a premature translational stop signal (p.Glu2501Glyfs*22) in the KMT2B gene. It is expected to result in an absent or disrupted protein product. Loss-of-function variants in KMT2B are known to be pathogenic (PMID: 27839873, 27992417).

Literature cited by the submitters: PubMed 27839873; PubMed 27992417.